The following is an entry in ClinVar:

NM_001330260.2(SCN8A):c.614C>A (p.Ala205Glu)

Gene: SCN8A (sodium voltage-gated channel alpha subunit 8; plus strand). Cytogenetic location: 12q13.13.
Variant type: single nucleotide variant.
Coding change: c.614C>A on transcript NM_001330260.2 (MANE Select); coding-DNA position 614, C replaced by A.
Protein change: p.Ala205Glu; replaces alanine 205 with glutamic acid.
Molecular consequence: missense variant.
Genome position (GRCh38, 1-based): chr12:51,687,219, C>A. VCF-style: chr12-51687219-C-A. GRCh37 (hg19) VCF-style: chr12-52081003-C-A.
Other names: p.A205E:GCG>GAG; c.614C>A, p.Ala205Glu (NM_001177984.3, NM_001369788.1, NM_014191.4); short protein forms A205E.
Identifiers: ClinVar variation 207140 (VCV000207140.12), dbSNP rs796053233, ClinGen allele CA318317.

ClinVar aggregate classification (germline): Likely pathogenic. Review status: criteria provided, multiple submitters, no conflicts (2 of 4 stars). 2 submissions from 2 submitters: Likely pathogenic (2). Last evaluated 2019-05-31.

Conditions:
Early-infantile DEE. Also called: Ohtahara syndrome; Early infantile epileptic encephalopathy; Early infantile epileptic encephalopathy with suppression bursts. Identifiers: Orphanet 1934, MedGen C0393706, MONDO:0800491.

Submissions (2):

Labcorp Genetics (formerly Invitae), Labcorp
Classification: Likely pathogenic for Early-infantile DEE. Last evaluated: 2019-05-31. Review status: criteria provided, single submitter. Criteria: Invitae Variant Classification Sherloc (09022015). Collection method: clinical testing. Allele origin: germline.
Comment: In summary, the currently available evidence indicates that the variant is pathogenic, but additional data are needed to prove that conclusively. Therefore, this variant has been classified as Likely Pathogenic. Algorithms developed to predict the effect of missense changes on protein structure and function are either unavailable or do not agree on the potential impact of this missense change (SIFT: "Deleterious"; PolyPhen-2: "Probably Damaging"; Align-GVGD: "Class C0"). ClinVar contains an entry for this variant (Variation ID: 207140). This variant is not present in population databases (ExAC no frequency). This sequence change replaces alanine with glutamic acid at codon 205 of the SCN8A protein (p.Ala205Glu). The alanine residue is highly conserved and there is a moderate physicochemical difference between alanine and glutamic acid.

GeneDx
Classification: Likely pathogenic. Last evaluated: 2018-09-20. Review status: criteria provided, single submitter. Criteria: GeneDx Variant Classification (06012015). Collection method: clinical testing. Allele origin: germline. Affected: yes.
Comment: p.Ala205Glu (GCG>GAG): c.614 C>A in exon 5 of the SCN8A gene (NM_014191.3). A A205E variant that is likely pathogenic has been identified in the SCN8A gene. The A205E variant has not been published as a mutation, nor has it been reported as a benign polymorphism to our knowledge. It was not observed in approximately 6,100 individuals of European and African American ancestry in the NHLBI Exome Sequencing Project, indicating it is not a common benign variant in these populations. The A205E variant is a non-conservative amino acid substitution, which is likely to impact secondary protein structure as these residues differ in polarity, charge, size and/or other properties. This substitution occurs at a conserved position in transmembrane segment S3 in the first homologous domain, and in silico analysis predicts this variant is probably damaging to the protein structure/function. Therefore, the A205E variant is a strong candidate for a pathogenic mutation, however the possibility that it is a benign variant cannot be excluded. The variant is found in EPILEPSY panel(s).